The following is an entry in ClinVar:

NM_000152.5(GAA):c.1637-4_1637-3delinsG

Gene: GAA (alpha glucosidase; plus strand). Cytogenetic location: 17q25.3.
Variant type: Indel.
Coding change: c.1637-4_1637-3delinsG on transcript NM_000152.5 (MANE Select); 4 bases into the intron before coding-DNA position 1637 through 3 bases into the intron before coding-DNA position 1637, CC replaced by G.
Molecular consequence: intron variant.
Genome position (GRCh38, 1-based): chr17:80,111,979-80,111,980, CC replaced by G. VCF-style: chr17-80111979-CC-G. GRCh37 (hg19) VCF-style: chr17-78085778-CC-G.
Other names: c.1637-4_1637-3delinsG (NM_001079803.3, NM_001079804.3).
Identifiers: ClinVar variation 1776946 (VCV001776946.4), dbSNP rs2510378281, ClinGen allele CA2580095769.

ClinVar aggregate classification (germline): Uncertain significance. Review status: criteria provided, multiple submitters, no conflicts (2 of 4 stars). 2 submissions from 2 submitters: Uncertain significance (2). Last evaluated 2026-08-20.

Conditions:
Cardiovascular phenotype. Identifiers: MedGen CN230736.
Glycogen storage disease, type II (IOPD). Also called: CARDIOMEGALIA GLYCOGENICA DIFFUSA; GLYCOGENOSIS, GENERALIZED, CARDIAC FORM; GSD II; Glycogen storage disease type 2; Acid maltase deficiency disease; Aglucosidase alfa. Identifiers: Orphanet 365, MedGen C0017921, MONDO:0009290, OMIM 232300.

Submissions (2):

Ambry Genetics
Classification: Uncertain significance for Cardiovascular phenotype. Last evaluated: 2026-08-20. Review status: criteria provided, single submitter. Criteria: Ambry Variant Classification Scheme 2023. Collection method: clinical testing. Allele origin: germline.
Comment: The c.1637-4_1637-3delCCinsG intronic variant, located in intron 10 of the GAA gene, results from the deletion of two nucleotides and the insertion of one nucleotide between nucleotide positions 1637-3 and 1637-4. These nucleotide positions are well conserved in available vertebrate species. In silico splice site analysis predicts that this alteration will weaken the native splice acceptor site and may result in the creation or strengthening of a novel splice acceptor site. Since supporting evidence is limited at this time, the clinical significance of this alteration remains unclear.

Genomenon, Inc
Classification: Uncertain significance for Glycogen storage disease, type II. Last evaluated: 2026-07-01. Review status: criteria provided, single submitter. Criteria: Genomenon Sequence Variant Interpretation Standards - Updated. Collection method: curation. Allele origin: germline. Affected: yes.
Comment: GAA c.1637-4_1637-3delinsG is a deletion-insertion variant that affects the acceptor splice region of intron 11. This variant has been observed in at least one proband with a GAA-related disorder (PMID:33073003). It is absent or not present at a significant frequency in gnomAD. In silico models predict that this variant is possibly or probably damaging. In conclusion, we classify GAA c.1637-4_1637-3delinsG as a variant of uncertain significance.

Literature cited by the submitters: PubMed 33073003 (cited by Genomenon, Inc).